The following is an entry in ClinVar:

NM_022482.5(GZF1):c.621GAA[1] (p.Lys209del)

Gene: GZF1 (GDNF inducible zinc finger protein 1; plus strand). Cytogenetic location: 20p11.21.
Variant type: Microsatellite.
Coding change: c.621GAA[1] on transcript NM_022482.5 (MANE Select); one copy of the 3-base unit GAA starting at c.621; the reference has two copies in a row; one copy, 3 bases deleted.
Protein change: p.Lys209del; deletes lysine 209.
Molecular consequence: inframe deletion.
Genome position (GRCh38, 1-based): chr20:23,365,007-23,365,009, GAA deleted; deleting any 3 consecutive bases within chr20:23,365,002-23,365,009 gives the same sequence; the position shown is the placement nearest the transcript's 3' end. VCF-style (leftmost placement, unchanged base first): chr20-23365001-CAAG-C. GRCh37 (hg19) VCF-style: chr20-23345638-CAAG-C.
Other names: c.621GAA[1], p.Lys209del (NM_001317012.2, NM_001317019.1); short protein forms K209del.
Identifiers: ClinVar variation 1524420 (VCV001524420.6), dbSNP rs747062090, ClinGen allele CA9788545.
Genomic context (GRCh38, chr20:23,365,001, plus strand): 5'-GAGAGCCAGCAATGGCATGTCTTCAGATTTGCCACCGAAGAAGTCCAAGGACAAACTAGA[CAAG>C]AAGAAAGAGGTAGTTAAACCTCCCTACCCTAAAATCAGGAGAGCTAGTGGAAGGCTGGCT-3'

ClinVar aggregate classification (germline): Uncertain significance (1 of 4 stars; one submission).

Submission:

Labcorp Genetics (formerly Invitae), Labcorp
Classification: Uncertain significance. Last evaluated: 2021-12-14. Review status: criteria provided, single submitter. Criteria: Invitae Variant Classification Sherloc (09022015). Collection method: clinical testing. Allele origin: germline.
Comment: This variant has not been reported in the literature in individuals affected with GZF1-related conditions. In summary, the available evidence is currently insufficient to determine the role of this variant in disease. Therefore, it has been classified as a Variant of Uncertain Significance. Experimental studies and prediction algorithms are not available or were not evaluated, and the functional significance of this variant is currently unknown. This variant is present in population databases (rs747062090, gnomAD 0.009%). This variant, c.624_626del, results in the deletion of 1 amino acid(s) of the GZF1 protein (p.Lys209del), but otherwise preserves the integrity of the reading frame.